The following is an entry in ClinVar:

ClinVar aggregate classification (germline): Uncertain significance. Review status: criteria provided, multiple submitters, no conflicts (2 of 4 stars). 3 submissions from 3 submitters: Uncertain significance (2). 1 of the submissions does not count toward it. Last evaluated 2025-06-18.

Conditions:
Carnitine palmitoyltransferase II deficiency. Also called: Carnitine Palmitoyltransferase 2 Deficiency. Identifiers: Orphanet 157, MedGen C0342790, MONDO:0015515.

Allele frequency attached by ClinVar (database versions not stated): gnomAD exomes below 0.00001; ExAC 0.00001; gnomAD 0.00001.

Submissions (3):

Greenwood Genetic Center Diagnostic Laboratories, Greenwood Genetic Center
Classification: Uncertain significance. Last evaluated: 2025-06-18. Review status: criteria provided, single submitter. Criteria: ACMG Guidelines, 2015. Collection method: clinical testing. Allele origin: germline. Affected: yes.
Comment: PM2

Labcorp Genetics (formerly Invitae), Labcorp
Classification: Uncertain significance for Carnitine palmitoyltransferase II deficiency. Last evaluated: 2021-08-24. Review status: criteria provided, single submitter. Criteria: Invitae Variant Classification Sherloc (09022015). Collection method: clinical testing. Allele origin: germline.
Comment: This sequence change replaces methionine with threonine at codon 647 of the CPT2 protein (p.Met647Thr). The methionine residue is weakly conserved and there is a moderate physicochemical difference between methionine and threonine. This variant is present in population databases (rs747723963, ExAC 0.01%). This variant has not been reported in the literature in individuals affected with CPT2-related conditions. Algorithms developed to predict the effect of missense changes on protein structure and function are either unavailable or do not agree on the potential impact of this missense change (SIFT: "Deleterious"; PolyPhen-2: "Benign"; Align-GVGD: "Class C0"). In summary, the available evidence is currently insufficient to determine the role of this variant in disease. Therefore, it has been classified as a Variant of Uncertain Significance.

Natera, Inc.
Classification: Uncertain significance for Carnitine palmitoyltransferase II deficiency. Last evaluated: 2020-08-10. Review status: no assertion criteria provided. Collection method: clinical testing. Allele origin: germline. Not counted in ClinVar's aggregate classification.

NM_000098.3(CPT2):c.1940T>C (p.Met647Thr)

Gene: CPT2 (carnitine palmitoyltransferase 2; plus strand). Cytogenetic location: 1p32.3.
Variant type: single nucleotide variant.
Coding change: c.1940T>C on transcript NM_000098.3 (MANE Select); coding-DNA position 1940, T replaced by C.
Protein change: p.Met647Thr; replaces methionine 647 with threonine.
Molecular consequence: missense variant.
Genome position (GRCh38, 1-based): chr1:53,213,558, T>C. VCF-style: chr1-53213558-T-C. GRCh37 (hg19) VCF-style: chr1-53679230-T-C.
Other names: c.1871T>C, p.Met624Thr (NM_001330589.2); short protein forms M624T, M647T.
Identifiers: ClinVar variation 959648 (VCV000959648.11), dbSNP rs747723963, ClinGen allele CA859320.
Genomic context (GRCh38, chr1:53,213,558, plus strand): 5'-CCTACCCAGGCCGCAATGCCCGGGAGTTTCTCCAATGTGTGGAGAAGGCCTTAGAAGACA[T>C]GTTTGATGCCTTAGAAGGCAAATCCATCAAAAGTTAACTTCTGGGCAGATGAAAAGCTAC-3'
Protein context (NP_000089.1, residues 637-657): LQCVEKALED[Met647Thr]FDALEGKSIK